The following is an entry in ClinVar:

NM_000444.6(PHEX):c.1645+3G>C

Gene: PHEX (phosphate regulating endopeptidase X-linked; plus strand). Cytogenetic location: Xp22.11.
Variant type: single nucleotide variant.
Coding change: c.1645+3G>C on transcript NM_000444.6 (MANE Select); 3 bases into the intron after coding-DNA position 1645, G replaced by C.
Molecular consequence: intron variant.
Genome position (GRCh38, 1-based): chrX:22,190,505, G>C. VCF-style: chrX-22190505-G-C. GRCh37 (hg19) VCF-style: chrX-22208622-G-C.
Other names: c.1645+3G>C (NM_001282754.2).
Identifiers: ClinVar variation 3236346 (VCV003236346.1), dbSNP rs2518621903, ClinGen allele CA2825002906.

ClinVar aggregate classification (germline): Uncertain significance (1 of 4 stars; one submission).

Conditions:
Familial X-linked hypophosphatemic vitamin D refractory rickets (XLHRD). Also called: Hypophosphatemia, vitamin D-resistant rickets; Vitamin D-resistant rickets, X-linked; Hypophosphatemic Rickets, X-Linked Dominant; X-Linked Hypophosphatemia; HYPOPHOSPHATEMIC VITAMIN D-RESISTANT RICKETS. Identifiers: Orphanet 89936, MedGen C0733682, MONDO:0010619, OMIM 307800.

Submission:

MVZ Medizinische Genetik Mainz
Classification: Uncertain significance for Familial X-linked hypophosphatemic vitamin D refractory rickets. Last evaluated: 2024-03-04. Review status: criteria provided, single submitter. Criteria: UK Practice Guidelines For Variant Classification V4 01 2020. Collection method: clinical testing. Allele origin: germline. Inheritance: X-linked dominant inheritance. Observed: 1 variant allele.
Comment: ACMG Criteria: PM2_SUP,PP3,PP4